The following is an entry in ClinVar:

NM_139285.4(GAS2L2):c.2184G>A (p.Ser728=)

Gene: GAS2L2 (growth arrest specific 2 like 2; minus strand). Cytogenetic location: 17q12.
Variant type: single nucleotide variant.
Coding change: c.2184G>A on transcript NM_139285.4 (MANE Select); coding-DNA position 2184, G replaced by A.
Protein change: p.Ser728=; no amino-acid change (serine 728 retained).
Molecular consequence: synonymous variant.
Genome position (GRCh38, 1-based): chr17:35,745,313, C>T on the plus strand (G>A on the coding strand, the complement: GAS2L2 is on the minus strand). VCF-style: chr17-35745313-C-T. GRCh37 (hg19) VCF-style: chr17-34072332-C-T.
Identifiers: ClinVar variation 4989509 (VCV004989509.1).

ClinVar aggregate classification (germline): Likely benign (1 of 4 stars; one submission).

Conditions:
GAS2L2-related disorder. Also called: GAS2L2-related condition.

gnomAD v4.1: 63 of 1,611,932 alleles (0.0039%); highest among the groups gnomAD compares: East Asian, 0.047%; 1 homozygote.

Submission:

PreventionGenetics, part of Exact Sciences
Classification: Likely benign for GAS2L2-related condition. Last evaluated: 2025-04-16. Review status: criteria provided, single submitter. Criteria: ACMG Guidelines, 2015. Collection method: clinical testing. Allele origin: germline.
Comment: This variant is classified as likely benign based on ACMG/AMP sequence variant interpretation guidelines (Richards et al. 2015 PMID: 25741868, with internal and published modifications).